The following is an entry in ClinVar:

ClinVar aggregate classification (germline): Uncertain significance (1 of 4 stars; one submission).

Conditions:
Hereditary cancer-predisposing syndrome. Also called: Tumor predisposition; Hereditary Cancer Syndrome; Hereditary neoplastic syndrome; Neoplastic Syndromes, Hereditary. Identifiers: Orphanet 140162, MedGen C0027672, MeSH D009386, MONDO:0015356.

Submission:

Labcorp Genetics (formerly Invitae), Labcorp
Classification: Uncertain significance for Hereditary cancer-predisposing syndrome. Last evaluated: 2020-12-20. Review status: criteria provided, single submitter. Criteria: Invitae Variant Classification Sherloc (09022015). Collection method: clinical testing. Allele origin: germline.
Comment: In summary, the available evidence is currently insufficient to determine the role of this variant in disease. Therefore, it has been classified as a Variant of Uncertain Significance. Algorithms developed to predict the effect of missense changes on protein structure and function output the following: SIFT: "Tolerated"; PolyPhen-2: "Benign"; Align-GVGD: "Class C0". The aspartic acid amino acid residue is found in multiple mammalian species, suggesting that this missense change does not adversely affect protein function. These predictions have not been confirmed by published functional studies and their clinical significance is uncertain. This variant has not been reported in the literature in individuals with RAD50-related conditions. This variant is not present in population databases (ExAC no frequency). This sequence change replaces glutamic acid with aspartic acid at codon 869 of the RAD50 protein (p.Glu869Asp). The glutamic acid residue is highly conserved and there is a small physicochemical difference between glutamic acid and aspartic acid.

NM_005732.4(RAD50):c.2607G>T (p.Glu869Asp)

Gene: RAD50 (RAD50 double strand break repair protein; plus strand). Cytogenetic location: 5q31.1.
Variant type: single nucleotide variant.
Coding change: c.2607G>T on transcript NM_005732.4 (MANE Select); coding-DNA position 2607, G replaced by T.
Protein change: p.Glu869Asp; replaces glutamic acid 869 with aspartic acid.
Molecular consequence: missense variant.
Genome position (GRCh38, 1-based): chr5:132,604,888, G>T. VCF-style: chr5-132604888-G-T. GRCh37 (hg19) VCF-style: chr5-131940580-G-T.
Other names: short protein forms E869D.
Identifiers: ClinVar variation 1479939 (VCV001479939.8), dbSNP rs876660389, ClinGen allele CA360956541.